The following is an entry in ClinVar:

ClinVar aggregate classification (germline): Conflicting classifications of pathogenicity. Review status: criteria provided, conflicting classifications (1 of 4 stars). 5 submissions from 4 submitters: Uncertain significance (1); Benign (1); Likely benign (3). Last evaluated 2025-12-15.

Conditions:
Pseudohypoaldosteronism, type IB1, autosomal recessive. Also called: Pseudohypoaldosteronism, Type I, Recessive; PHA I, AUTOSOMAL RECESSIVE; Autosomal recessive pseudohypoaldosteronism type 1; Pseudohypoaldosteronism, Type I, Autosomal Recessive. Identifiers: Orphanet 171876, Orphanet 756, MedGen C5774176, MONDO:0009917, OMIM 264350.
Bronchiectasis with or without elevated sweat chloride 2 (BESC2). Identifiers: Orphanet 60033, MedGen C2751666, MONDO:0013087, OMIM 613021.

Allele frequency attached by ClinVar (database versions not stated): 1000 Genomes Project 30x 0.00031; 1000 Genomes Project 0.00040; gnomAD exomes 0.00060; TOPMed 0.00076; gnomAD 0.00082 and 0.00083; ExAC 0.00101; ESP Exome Variant Server 0.00120.
gnomAD v4.1: 1,626 of 1,572,534 alleles (0.1%); highest among the groups gnomAD compares: Non-Finnish European, 0.13%; no homozygotes.

Submissions (5):

Labcorp Genetics (formerly Invitae), Labcorp
Classification: Likely benign. Last evaluated: 2025-12-15. Review status: criteria provided, single submitter. Criteria: Invitae Variant Classification Sherloc (09022015). Collection method: clinical testing. Allele origin: germline.

CeGaT Center for Human Genetics Tuebingen
Classification: Likely benign. Last evaluated: 2025-09-01. Review status: criteria provided, single submitter. Criteria: CeGaT Center For Human Genetics Tuebingen Variant Classification Criteria Version 2. Collection method: clinical testing. Allele origin: germline. Affected: yes. Observed: 2 variant alleles.
Comment: SCNN1A: BP4, BP7

Blueprint Genetics
Classification: Likely benign. Last evaluated: 2024-10-10. Review status: criteria provided, single submitter. Criteria: ACMG Guidelines, 2015. Collection method: clinical testing. Allele origin: germline.

Illumina Laboratory Services, Illumina
Classification: Benign for Bronchiectasis with or without elevated sweat chloride 2. Last evaluated: 2018-01-12. Review status: criteria provided, single submitter. Criteria: ICSL Variant Classification Criteria 13 December 2019. Collection method: clinical testing. Allele origin: germline.
Comment: This variant was observed in the ICSL laboratory as part of a predisposition screen in an ostensibly healthy population. It had not been previously curated by ICSL or reported in the Human Gene Mutation Database (HGMD: prior to June 1st, 2018), and was therefore a candidate for classification through an automated scoring system. Utilizing variant allele frequency, disease prevalence and penetrance estimates, and inheritance mode, an automated score was calculated to assess if this variant is too frequent to cause the disease. Based on the score and internal cut-off values, a variant classified as benign is not then subjected to further curation. The score for this variant resulted in a classification of benign for this disease.

Illumina Laboratory Services, Illumina
Classification: Uncertain significance for Pseudohypoaldosteronism, type IB1, autosomal recessive. Last evaluated: 2018-01-12. Review status: criteria provided, single submitter. Criteria: ICSL Variant Classification Criteria 13 December 2019. Collection method: clinical testing. Allele origin: germline.

NM_001038.6(SCNN1A):c.1935C>T (p.Ala645=)

Gene: SCNN1A (sodium channel epithelial 1 subunit alpha; minus strand). Cytogenetic location: 12p13.31.
Variant type: single nucleotide variant.
Coding change: c.1935C>T on transcript NM_001038.6 (MANE Select); coding-DNA position 1935, C replaced by T.
Protein change: p.Ala645=; no amino-acid change (alanine 645 retained).
Molecular consequence: synonymous variant.
Genome position (GRCh38, 1-based): chr12:6,347,948, G>A on the plus strand (C>T on the coding strand, the complement: SCNN1A is on the minus strand). VCF-style: chr12-6347948-G-A. GRCh37 (hg19) VCF-style: chr12-6457114-G-A.
Other names: c.2004C>T, p.Ala668= (NM_001159575.2); c.2112C>T, p.Ala704= (NM_001159576.2).
Identifiers: ClinVar variation 310131 (VCV000310131.48), dbSNP rs370406973, ClinGen allele CA6405684.
Genomic context (GRCh38, chr12:6,347,948, plus strand): 5'-AGGACAGGTGGAGGAACTGGCCCCTGCAGAGCCCCCTGGAGATGGGCGGGGGCCCAGGGT[G>A]GCATAGGCAGGGGGAGGGGCTGTCAAGGCTGGAGAGGGAGCAGGGCCTGGCTGGGACAAG-3'
Protein context (NP_001029.1, residues 635-655): PALTAPPPAY[Ala645=]TLGPRPSPGG